The following is an entry in ClinVar:

ClinVar aggregate classification (germline): Pathogenic (1 of 4 stars; one submission).

Conditions:
Hereditary breast ovarian cancer syndrome. Also called: Hereditary breast and ovarian cancer syndrome (HBOC); Breast and ovarian cancer; Hereditary breast and/or ovarian cancer syndrome; Hereditary breast and ovarian cancer; BRCA1- and BRCA2-Associated Hereditary Breast and Ovarian Cancer; Hereditary breast and ovarian cancer syndrome. Identifiers: Orphanet 145, MedGen C0677776, MeSH D061325, MONDO:0003582. Disease mechanism: loss of function.

Submission:

Labcorp Genetics (formerly Invitae), Labcorp
Classification: Pathogenic for Hereditary breast ovarian cancer syndrome. Last evaluated: 2022-10-22. Review status: criteria provided, single submitter. Criteria: Invitae Variant Classification Sherloc (09022015). Collection method: clinical testing. Allele origin: germline.
Comment: This variant is a gross deletion of the genomic region encompassing exon(s) 13-19 of the BRCA1 gene. This deletion is out-of-frame, and is expected to create a premature termination codon and result in an absent or disrupted protein product. Loss-of-function variants in BRCA1 are known to be pathogenic (PMID: 20104584). A similar copy number variant has been observed in individual(s) with breast and/or ovarian cancer (PMID: 12960223, 15681486, 16551709, 20616022). This variant is also known as a deletion of exons 14-20. For these reasons, this variant has been classified as Pathogenic.

Literature cited by the submitters: PubMed 20104584; PubMed 12960223; PubMed 15681486; PubMed 16551709; PubMed 20616022.

NC_000017.10:g.(?_41209049)_(41228651_?)del

Gene: BRCA1 (BRCA1 DNA repair associated; minus strand). Cytogenetic location: 17q21.31.
Variant type: Deletion.
Identifiers: ClinVar variation 2425733 (VCV002425733.6).